The following is an entry in ClinVar:

ClinVar aggregate classification (germline): Uncertain significance (1 of 4 stars; one submission).

Conditions:
Epileptic encephalopathy. Identifiers: MedGen C0543888, HP:0200134.

Allele frequency attached by ClinVar (database versions not stated): TOPMed below 0.00001; gnomAD 0.00001.
gnomAD v4.1: 46 of 1,613,850 alleles (0.0029%); highest among the groups gnomAD compares: Non-Finnish European, 0.0038%; no homozygotes.

Submission:

Labcorp Genetics (formerly Invitae), Labcorp
Classification: Uncertain significance for Epileptic encephalopathy. Last evaluated: 2019-06-03. Review status: criteria provided, single submitter. Criteria: Invitae Variant Classification Sherloc (09022015). Collection method: clinical testing. Allele origin: germline.
Comment: This sequence change replaces isoleucine with leucine at codon 1750 of the RYR3 protein (p.Ile1750Leu). The isoleucine residue is highly conserved and there is a small physicochemical difference between isoleucine and leucine. In summary, the available evidence is currently insufficient to determine the role of this variant in disease. Therefore, it has been classified as a Variant of Uncertain Significance. Algorithms developed to predict the effect of missense changes on protein structure and function are either unavailable or do not agree on the potential impact of this missense change (SIFT: "Deleterious"; PolyPhen-2: "Benign"; Align-GVGD: "Class C0"). This variant has not been reported in the literature in individuals with RYR3-related conditions. This variant is not present in population databases (ExAC no frequency).

NM_001036.6(RYR3):c.5248A>C (p.Ile1750Leu)

Gene: RYR3 (ryanodine receptor 3; plus strand). Cytogenetic location: 15q14.
Variant type: single nucleotide variant.
Coding change: c.5248A>C on transcript NM_001036.6 (MANE Select); coding-DNA position 5248, A replaced by C.
Protein change: p.Ile1750Leu; replaces isoleucine 1750 with leucine.
Molecular consequence: missense variant.
Genome position (GRCh38, 1-based): chr15:33,662,778, A>C. VCF-style: chr15-33662778-A-C. GRCh37 (hg19) VCF-style: chr15-33954979-A-C.
Other names: c.5248A>C, p.Ile1750Leu (NM_001243996.4); short protein forms I1750L.
Identifiers: ClinVar variation 840305 (VCV000840305.9), dbSNP rs759365540, ClinGen allele CA391572673.
Genomic context (GRCh38, chr15:33,662,778, plus strand): 5'-GGAACCCTGCTGGTCATGGGCGTGTTTGATGATGATGATGTTCGGCAGATCCTCCTCCTG[A>C]TTGATCCCTCTGTGTTTGGGGAGCATAGTGCGGGGACAGAGGAGGGAGCAGAAAAGGAGG-3'
Protein context (NP_001027.3, residues 1740-1760): DDDVRQILLL[Ile1750Leu]DPSVFGEHSA